The following is an entry in ClinVar:

ClinVar aggregate classification (germline): Uncertain significance (1 of 4 stars; one submission).

Allele frequency attached by ClinVar (database versions not stated): TOPMed 0.00021; gnomAD exomes 0.00033; 1000 Genomes Project 0.00020; ExAC 0.00024; 1000 Genomes Project 30x 0.00016; gnomAD 0.00023; ESP Exome Variant Server 0.00008.
gnomAD v4.1: 528 of 1,611,802 alleles (0.033%); highest among the groups gnomAD compares: Non-Finnish European, 0.04%; no homozygotes.

Submission:

Labcorp Genetics (formerly Invitae), Labcorp
Classification: Uncertain significance. Last evaluated: 2024-09-10. Review status: criteria provided, single submitter. Criteria: Invitae Variant Classification Sherloc (09022015). Collection method: clinical testing. Allele origin: germline.
Comment: This sequence change replaces valine, which is neutral and non-polar, with methionine, which is neutral and non-polar, at codon 96 of the FGFRL1 protein (p.Val96Met). This variant is present in population databases (rs200736918, gnomAD 0.04%). This variant has not been reported in the literature in individuals affected with FGFRL1-related conditions. ClinVar contains an entry for this variant (Variation ID: 2059216). An algorithm developed to predict the effect of missense changes on protein structure and function (PolyPhen-2) suggests that this variant is likely to be disruptive. In summary, the available evidence is currently insufficient to determine the role of this variant in disease. Therefore, it has been classified as a Variant of Uncertain Significance.

NM_001004356.3(FGFRL1):c.286G>A (p.Val96Met)

Gene: FGFRL1 (fibroblast growth factor receptor like 1; plus strand). Cytogenetic location: 4p16.3.
Variant type: single nucleotide variant.
Coding change: c.286G>A on transcript NM_001004356.3 (MANE Select); coding-DNA position 286, G replaced by A.
Protein change: p.Val96Met; replaces valine 96 with methionine.
Molecular consequence: missense variant.
Genome position (GRCh38, 1-based): chr4:1,022,409, G>A. VCF-style: chr4-1022409-G-A. GRCh37 (hg19) VCF-style: chr4-1016197-G-A.
Other names: c.286G>A, p.Val96Met (NM_001004358.1, NM_001370296.1, NM_021923.3); short protein forms V96M.
Identifiers: ClinVar variation 2059216 (VCV002059216.4), dbSNP rs200736918, ClinGen allele CA2802631.
Genomic context (GRCh38, chr4:1,022,409, plus strand): 5'-CGCTTCCGCGTGCTGCCGCAGGGGCTGAAGGTGAAGCAGGTGGAGCGGGAGGATGCCGGC[G>A]TGTACGTGTGCAAGGCCACCAACGGCTTCGGCAGCCTGAGCGTCAACTACACCCTCGTCG-3'
Protein context (NP_001004356.1, residues 86-106): VKQVEREDAG[Val96Met]YVCKATNGFG